The following is an entry in ClinVar:

NM_153700.2(STRC):c.3250C>G (p.Pro1084Ala)

Gene: STRC (stereocilin; minus strand). Cytogenetic location: 15q15.3.
Variant type: single nucleotide variant.
Coding change: c.3250C>G on transcript NM_153700.2 (MANE Select); coding-DNA position 3250, C replaced by G.
Protein change: p.Pro1084Ala; replaces proline 1084 with alanine.
Molecular consequence: missense variant.
Genome position (GRCh38, 1-based): chr15:43,611,204, G>C on the plus strand (C>G on the coding strand, the complement: STRC is on the minus strand). VCF-style: chr15-43611204-G-C. GRCh37 (hg19) VCF-style: chr15-43903402-G-C.
Other names: short protein forms P1084A.
Identifiers: ClinVar variation 4979669 (VCV004979669.1).

ClinVar aggregate classification (germline): Uncertain significance (1 of 4 stars; one submission).

Conditions:
STRC-related disorder. Also called: STRC-related condition.

Submission:

PreventionGenetics, part of Exact Sciences
Classification: Uncertain significance for STRC-related condition. Last evaluated: 2026-08-24. Review status: criteria provided, single submitter. Criteria: ACMG Guidelines, 2015. Collection method: clinical testing. Allele origin: germline.
Comment: The STRC c.3250C>G variant is predicted to result in the amino acid substitution p.Pro1084Ala. This variant was reported in an individual with non-syndromic hearing loss, however it is not clear if second variant was present (Table S2, Mandelker et al. 2014. PubMed ID: 25157971). This variant is reported in 0.071% of alleles in individuals of African descent in gnomAD. At this time, the clinical significance of this variant is uncertain due to the absence of conclusive functional and genetic evidence.